The following is an entry in ClinVar:

ClinVar aggregate classification (germline): Uncertain significance (1 of 4 stars; one submission).

Conditions:
Very long chain acyl-CoA dehydrogenase deficiency (ACADVLD). Also called: Very Long-Chain Acyl-Coenzyme A Dehydrogenase Deficiency; VLCAD Deficiency. Identifiers: Orphanet 26793, MedGen C3887523, MONDO:0008723, OMIM 201475.

Allele frequency attached by ClinVar (database versions not stated): ExAC 0.00001; gnomAD 0.00001 and 0.00002; gnomAD exomes 0.00001 and 0.00002; TOPMed 0.00002.
gnomAD v4.1: 9 of 1,612,458 alleles (0.00056%); highest among the groups gnomAD compares: Admixed American, 0.015%; no homozygotes.

Submission:

Wong Mito Lab, Molecular and Human Genetics, Baylor College of Medicine
Classification: Uncertain significance for Very long chain acyl-CoA dehydrogenase deficiency. Last evaluated: 2019-11-01. Review status: criteria provided, single submitter. Criteria: ACMG Guidelines, 2015. Collection method: clinical testing. Allele origin: germline.
Comment: The NM_000018.3:c.478-44C>T (NP_000009.1:p.?) [GRCH38: NC_000017.11:g.7221494C>T] variant in ACADVL gene is interpretated to be Uncertain Significance based on ACMG guidelines (PMID: 25741868). This variant has been reported. This variant dose not meet any evidence codes reported in the ACMG guidelines.

NM_000018.4(ACADVL):c.478-44C>T

Gene: ACADVL (acyl-CoA dehydrogenase very long chain; plus strand). Cytogenetic location: 17p13.1.
Variant type: single nucleotide variant.
Coding change: c.478-44C>T on transcript NM_000018.4 (MANE Select); 44 bases into the intron before coding-DNA position 478, C replaced by T.
Molecular consequence: intron variant.
Genome position (GRCh38, 1-based): chr17:7,221,494, C>T. VCF-style: chr17-7221494-C-T. GRCh37 (hg19) VCF-style: chr17-7124813-C-T.
Other names: c.547-44C>T (NM_001270447.2); c.250-44C>T (NM_001270448.2); c.412-44C>T (NM_001033859.3).
Identifiers: ClinVar variation 932815 (VCV000932815.2), dbSNP rs754668930, ClinGen allele CA8337726.